The following is an entry in ClinVar:

ClinVar aggregate classification (germline): Uncertain significance (1 of 4 stars; one submission).

Conditions:
Hereditary cancer-predisposing syndrome. Also called: Hereditary Cancer Syndrome; Hereditary neoplastic syndrome; Neoplastic Syndromes, Hereditary; Tumor predisposition. Identifiers: Orphanet 140162, MedGen C0027672, MeSH D009386, MONDO:0015356.

gnomAD v4.1: 1 of 1,586,702 alleles (0.000063%); highest among the groups gnomAD compares: South Asian, 0.0011%; no homozygotes.

Submission:

Ambry Genetics
Classification: Uncertain significance for Hereditary cancer-predisposing syndrome. Last evaluated: 2025-04-01. Review status: criteria provided, single submitter. Criteria: Ambry Variant Classification Scheme 2023. Collection method: clinical testing. Allele origin: germline.
Comment: The p.L165F variant (also known as c.493C>T), located in coding exon 5 of the NBN gene, results from a C to T substitution at nucleotide position 493. The leucine at codon 165 is replaced by phenylalanine, an amino acid with highly similar properties. This amino acid position is conserved. In addition, this alteration is predicted to be deleterious by in silico analysis. Based on the available evidence, the clinical significance of this variant remains unclear.

NM_002485.5(NBN):c.493C>T (p.Leu165Phe)

Gene: NBN (nibrin; minus strand). Cytogenetic location: 8q21.3.
Variant type: single nucleotide variant.
Coding change: c.493C>T on transcript NM_002485.5 (MANE Select); coding-DNA position 493, C replaced by T.
Protein change: p.Leu165Phe; replaces leucine 165 with phenylalanine.
Molecular consequence: missense variant.
Genome position (GRCh38, 1-based): chr8:89,978,311, G>A on the plus strand (C>T on the coding strand, the complement: NBN is on the minus strand). VCF-style: chr8-89978311-G-A. GRCh37 (hg19) VCF-style: chr8-90990539-G-A.
Other names: c.247C>T, p.Leu83Phe (NM_001024688.3); short protein forms L165F, L83F.
Identifiers: ClinVar variation 3917588 (VCV003917588.1).